The following is an entry in ClinVar:

NM_002471.4(MYH6):c.4817A>T (p.Glu1606Val)

Genes: MYH6 (myosin heavy chain 6; minus strand), LOC126861896 (BRD4-independent group 4 enhancer GRCh37_chr14:23854904-23856103; plus strand). Cytogenetic location: 14q11.2.
Variant type: single nucleotide variant.
Coding change: c.4817A>T on transcript NM_002471.4 (MANE Select); coding-DNA position 4817, A replaced by T.
Protein change: p.Glu1606Val; replaces glutamic acid 1606 with valine.
Molecular consequence: missense variant.
Genome position (GRCh38, 1-based): chr14:23,386,457, T>A on the plus strand (A>T on the coding strand, the complement: MYH6 is on the minus strand). VCF-style: chr14-23386457-T-A. GRCh37 (hg19) VCF-style: chr14-23855666-T-A.
Other names: short protein forms E1606V.
Identifiers: ClinVar variation 2742171 (VCV002742171.3), dbSNP rs2502143647, ClinGen allele CA388991763.

ClinVar aggregate classification (germline): Uncertain significance (1 of 4 stars; one submission).

Conditions:
Hypertrophic cardiomyopathy 14. Identifiers: MedGen C2750467, MONDO:0013197, OMIM 613251.

Submission:

Labcorp Genetics (formerly Invitae), Labcorp
Classification: Uncertain significance for Hypertrophic cardiomyopathy 14. Last evaluated: 2022-12-23. Review status: criteria provided, single submitter. Criteria: Invitae Variant Classification Sherloc (09022015). Collection method: clinical testing. Allele origin: germline.
Comment: This variant has not been reported in the literature in individuals affected with MYH6-related conditions. Advanced modeling of protein sequence and biophysical properties (such as structural, functional, and spatial information, amino acid conservation, physicochemical variation, residue mobility, and thermodynamic stability) performed at Invitae indicates that this missense variant is expected to disrupt MYH6 protein function. In summary, the available evidence is currently insufficient to determine the role of this variant in disease. Therefore, it has been classified as a Variant of Uncertain Significance. This variant is not present in population databases (gnomAD no frequency). This sequence change replaces glutamic acid, which is acidic and polar, with valine, which is neutral and non-polar, at codon 1606 of the MYH6 protein (p.Glu1606Val).